The following is an entry in ClinVar:

ClinVar aggregate classification (germline): Likely benign. Review status: criteria provided, multiple submitters, no conflicts (2 of 4 stars). 3 submissions from 3 submitters: Likely benign (3). Last evaluated 2023-11-02.

Conditions:
RYR1-related disorder. Also called: RYR1-related condition; RYR1-related disorders. Identifiers: MedGen CN239331.
Malignant hyperthermia, susceptibility to, 1 (MHS1). Also called: Anesthesia related hyperthermia; Malignant hyperpyrexia; Fulminating hyperpyrexia; Pharmacogenic myopathy; Malignant hyperthermia suceptibility 1; RYR1-Related Malignant Hyperthermia Susceptibility. Identifiers: Orphanet 423, MedGen C2930980, MONDO:0007783, OMIM 145600.

Allele frequency attached by ClinVar (database versions not stated): gnomAD exomes below 0.00001 and 0.00001; ExAC 0.00002.
gnomAD v4.1: 7 of 1,614,126 alleles (0.00043%); highest among the groups gnomAD compares: African/African-American, 0.0013%; no homozygotes.

Submissions (3):

All of Us Research Program, National Institutes of Health
Classification: Likely benign for Malignant hyperthermia, susceptibility to, 1. Last evaluated: 2023-11-02. Review status: criteria provided, single submitter. Criteria: ACMG Guidelines, 2015. Collection method: clinical testing. Allele origin: germline. Inheritance: Autosomal dominant inheritance. Observed: 1 variant allele, 1 heterozygote.
Comment: This study involves interpretation of variants in research participants for the purpose of population health screening. Participant phenotype was not available at the time of variant classification. Additional details can be found in publication PMID: 35346344, PMCID: PMC8962531

Labcorp Genetics (formerly Invitae), Labcorp
Classification: Likely benign for RYR1-related disorder. Last evaluated: 2023-07-13. Review status: criteria provided, single submitter. Criteria: Invitae Variant Classification Sherloc (09022015). Collection method: clinical testing. Allele origin: germline.

Color Diagnostics, LLC DBA Color Health
Classification: Likely benign for Malignant hyperthermia, susceptibility to, 1. Last evaluated: 2022-11-06. Review status: criteria provided, single submitter. Criteria: ACMG Guidelines, 2015. Collection method: clinical testing. Allele origin: germline.

NM_000540.3(RYR1):c.1488C>T (p.Tyr496=)

Genes: RYR1 (ryanodine receptor 1; plus strand), LOC129391106 (MPRA-validated peak3472 silencer; plus strand). Cytogenetic location: 19q13.2.
Variant type: single nucleotide variant.
Coding change: c.1488C>T on transcript NM_000540.3 (MANE Select); coding-DNA position 1488, C replaced by T.
Protein change: p.Tyr496=; no amino-acid change (tyrosine 496 retained).
Molecular consequence: synonymous variant.
Genome position (GRCh38, 1-based): chr19:38,455,282, C>T. VCF-style: chr19-38455282-C-T. GRCh37 (hg19) VCF-style: chr19-38945922-C-T.
Other names: c.1488C>T, p.Tyr496= (NM_001042723.2).
Identifiers: ClinVar variation 1615388 (VCV001615388.9), dbSNP rs773507163, ClinGen allele CA061785.